The following is an entry in ClinVar:

NM_006947.4(SRP72):c.1247A>G (p.Tyr416Cys)

Gene: SRP72 (signal recognition particle 72; plus strand). Cytogenetic location: 4q12.
Variant type: single nucleotide variant.
Coding change: c.1247A>G on transcript NM_006947.4 (MANE Select); coding-DNA position 1247, A replaced by G.
Protein change: p.Tyr416Cys; replaces tyrosine 416 with cysteine.
Molecular consequence: missense variant. On other transcripts: non-coding transcript variant (1).
Genome position (GRCh38, 1-based): chr4:56,489,410, A>G. VCF-style: chr4-56489410-A-G. GRCh37 (hg19) VCF-style: chr4-57355576-A-G.
Other names: c.1064A>G, p.Tyr355Cys (NM_001267722.2); c.1247A>G (NM_006947.3); short protein forms Y355C, Y416C.
Identifiers: ClinVar variation 3700569 (VCV003700569.3).

ClinVar aggregate classification (germline): Uncertain significance. Review status: criteria provided, multiple submitters, no conflicts (2 of 4 stars). 2 submissions from 2 submitters: Uncertain significance (2). Last evaluated 2025-03-26.

gnomAD v4.1: 1 of 1,599,348 alleles (0.000063%); highest among the groups gnomAD compares: Non-Finnish European, 0.000085%; no homozygotes.

Submissions (2):

Ambry Genetics
Classification: Uncertain significance. Last evaluated: 2025-03-26. Review status: criteria provided, single submitter. Criteria: Ambry Variant Classification Scheme 2023. Collection method: clinical testing. Allele origin: germline.
Comment: The p.Y416C variant (also known as c.1247A>G), located in coding exon 13 of the SRP72 gene, results from an A to G substitution at nucleotide position 1247. The tyrosine at codon 416 is replaced by cysteine, an amino acid with highly dissimilar properties. This amino acid position is conserved. In addition, this alteration is predicted to be deleterious by in silico analysis. Based on the available evidence, the clinical significance of this variant remains unclear.

Labcorp Genetics (formerly Invitae), Labcorp
Classification: Uncertain significance. Last evaluated: 2024-02-06. Review status: criteria provided, single submitter. Criteria: Invitae Variant Classification Sherloc (09022015). Collection method: clinical testing. Allele origin: germline.
Comment: This sequence change replaces tyrosine, which is neutral and polar, with cysteine, which is neutral and slightly polar, at codon 416 of the SRP72 protein (p.Tyr416Cys). This variant is not present in population databases (gnomAD no frequency). This variant has not been reported in the literature in individuals affected with SRP72-related conditions. Advanced modeling of protein sequence and biophysical properties (such as structural, functional, and spatial information, amino acid conservation, physicochemical variation, residue mobility, and thermodynamic stability) performed at Invitae indicates that this missense variant is not expected to disrupt SRP72 protein function with a negative predictive value of 80%. In summary, the available evidence is currently insufficient to determine the role of this variant in disease. Therefore, it has been classified as a Variant of Uncertain Significance.